The following is an entry in ClinVar:

NM_003982.4(SLC7A7):c.1516C>T (p.Arg506Trp)

Gene: SLC7A7 (solute carrier family 7 member 7; minus strand). Cytogenetic location: 14q11.2.
Variant type: single nucleotide variant.
Coding change: c.1516C>T on transcript NM_003982.4 (MANE Select); coding-DNA position 1516, C replaced by T.
Protein change: p.Arg506Trp; replaces arginine 506 with tryptophan.
Molecular consequence: missense variant.
Genome position (GRCh38, 1-based): chr14:22,773,630, G>A on the plus strand (C>T on the coding strand, the complement: SLC7A7 is on the minus strand). VCF-style: chr14-22773630-G-A. GRCh37 (hg19) VCF-style: chr14-23242839-G-A.
Other names: c.1516C>T, p.Arg506Trp (NM_001126105.3, NM_001126106.4); short protein forms R506W.
Identifiers: ClinVar variation 2084250 (VCV002084250.3), dbSNP rs138506427, ClinGen allele CA7104364.

ClinVar aggregate classification (germline): Uncertain significance. Review status: criteria provided, multiple submitters, no conflicts (2 of 4 stars). 3 submissions from 3 submitters: Uncertain significance (3). Last evaluated 2024-03-25.

Conditions:
Inborn genetic diseases. Identifiers: MedGen C0950123, MeSH D030342.
Lysinuric protein intolerance (LPI). Identifiers: Orphanet 470, MedGen C0268647, MONDO:0009109, OMIM 222700.

Allele frequency attached by ClinVar (database versions not stated): ESP Exome Variant Server 0.00015; 1000 Genomes Project 0.00020; 1000 Genomes Project 30x 0.00031.
gnomAD v4.1: 65 of 1,614,028 alleles (0.004%); highest among the groups gnomAD compares: South Asian, 0.018%; no homozygotes.

Submissions (3):

Fulgent Genetics
Classification: Uncertain significance for Lysinuric protein intolerance. Last evaluated: 2024-03-25. Review status: criteria provided, single submitter. Criteria: ACMG Guidelines, 2015. Collection method: clinical testing. Allele origin: germline.

Ambry Genetics
Classification: Uncertain significance for Inborn genetic diseases. Last evaluated: 2023-11-14. Review status: criteria provided, single submitter. Criteria: Ambry Variant Classification Scheme 2023. Collection method: clinical testing. Allele origin: germline.

Labcorp Genetics (formerly Invitae), Labcorp
Classification: Uncertain significance for Lysinuric protein intolerance. Last evaluated: 2022-08-05. Review status: criteria provided, single submitter. Criteria: Invitae Variant Classification Sherloc (09022015). Collection method: clinical testing. Allele origin: germline.
Comment: This sequence change replaces arginine, which is basic and polar, with tryptophan, which is neutral and slightly polar, at codon 506 of the SLC7A7 protein (p.Arg506Trp). This variant is present in population databases (rs138506427, gnomAD 0.01%). This variant has not been reported in the literature in individuals affected with SLC7A7-related conditions. Algorithms developed to predict the effect of missense changes on protein structure and function are either unavailable or do not agree on the potential impact of this missense change (SIFT: "Deleterious"; PolyPhen-2: "Benign"; Align-GVGD: "Class C0"). In summary, the available evidence is currently insufficient to determine the role of this variant in disease. Therefore, it has been classified as a Variant of Uncertain Significance.